The following is an entry in ClinVar:

NM_001605.3(AARS1):c.2481T>A (p.Asp827Glu)

Gene: AARS1 (alanyl-tRNA synthetase 1; minus strand). Cytogenetic location: 16q22.1.
Variant type: single nucleotide variant.
Coding change: c.2481T>A on transcript NM_001605.3 (MANE Select); coding-DNA position 2481, T replaced by A.
Protein change: p.Asp827Glu; replaces aspartic acid 827 with glutamic acid.
Molecular consequence: missense variant.
Genome position (GRCh38, 1-based): chr16:70,253,958, A>T on the plus strand (T>A on the coding strand, the complement: AARS1 is on the minus strand). VCF-style: chr16-70253958-A-T. GRCh37 (hg19) VCF-style: chr16-70287861-A-T.
Other names: short protein forms D827E.
Identifiers: ClinVar variation 961080 (VCV000961080.10), dbSNP rs1959913690, ClinGen allele CA396555281.
Genomic context (GRCh38, chr16:70,253,958, plus strand): 5'-ACTGGTGCTGCCAGGACTCACTCGTTTCTGGACATCGGCTTTGCTGGCTCGGTCCAAGTC[A>T]TCCATGACCTTCTTTAGGGATTTGAGAGTCTCCCGCAATTCATCCTTCTGCCACTGGGGG-3'
Protein context (NP_001596.2, residues 817-837): ETLKSLKKVM[Asp827Glu]DLDRASKADV

ClinVar aggregate classification (germline): Uncertain significance (1 of 4 stars; one submission).

Conditions:
Charcot-Marie-Tooth disease type 2. Also called: Charcot-Marie-Tooth type 2. Identifiers: Orphanet 64746, MedGen C0270914, MONDO:0018993.

Submission:

Labcorp Genetics (formerly Invitae), Labcorp
Classification: Uncertain significance for Charcot-Marie-Tooth disease type 2. Last evaluated: 2019-11-11. Review status: criteria provided, single submitter. Criteria: Invitae Variant Classification Sherloc (09022015). Collection method: clinical testing. Allele origin: germline.
Comment: This sequence change replaces aspartic acid with glutamic acid at codon 827 of the AARS protein (p.Asp827Glu). The aspartic acid residue is highly conserved and there is a small physicochemical difference between aspartic acid and glutamic acid. This variant has not been reported in the literature in individuals with AARS-related conditions. Algorithms developed to predict the effect of missense changes on protein structure and function are either unavailable or do not agree on the potential impact of this missense change (SIFT: "Tolerated"; PolyPhen-2: "Probably Damaging"; Align-GVGD: "Class C0"). In summary, the available evidence is currently insufficient to determine the role of this variant in disease. Therefore, it has been classified as a Variant of Uncertain Significance. This variant is not present in population databases (ExAC no frequency).